The following is an entry in ClinVar:

NM_003722.5(TP63):c.992+6T>G

Gene: TP63 (tumor protein p63; plus strand). Cytogenetic location: 3q28.
Variant type: single nucleotide variant.
Coding change: c.992+6T>G on transcript NM_003722.5 (MANE Select); 6 bases into the intron after coding-DNA position 992, T replaced by G.
Molecular consequence: intron variant.
Genome position (GRCh38, 1-based): chr3:189,867,948, T>G. VCF-style: chr3-189867948-T-G. GRCh37 (hg19) VCF-style: chr3-189585737-T-G.
Other names: c.986+6T>G (NM_001329964.2); c.992+6T>G (NM_001114978.2, NM_001329144.2, NM_001329148.2 and 1 more transcripts); c.710+6T>G (NM_001114980.2, NM_001114981.2, NM_001329145.2 and 2 more transcripts); c.455+6T>G (NM_001329146.2, NM_001329150.2).
Identifiers: ClinVar variation 4891496 (VCV004891496.1).

ClinVar aggregate classification (germline): Uncertain significance (1 of 4 stars; one submission).

Submission:

GeneDx
Classification: Uncertain significance. Last evaluated: 2026-03-08. Review status: criteria provided, single submitter. Criteria: GeneDx Variant Classification Process June 2021. Collection method: clinical testing. Allele origin: germline.
Comment: Not observed at significant frequency in large population cohorts (gnomAD); Has not been previously published as pathogenic or benign to our knowledge; In silico analysis supports a deleterious effect on splicing